The following is an entry in ClinVar:

NM_004076.5(CRYBB3):c.226G>A (p.Gly76Arg)

Gene: CRYBB3 (crystallin beta B3; plus strand). Cytogenetic location: 22q11.23.
Variant type: single nucleotide variant.
Coding change: c.226G>A on transcript NM_004076.5 (MANE Select); coding-DNA position 226, G replaced by A.
Protein change: p.Gly76Arg; replaces glycine 76 with arginine.
Molecular consequence: missense variant.
Genome position (GRCh38, 1-based): chr22:25,203,794, G>A. VCF-style: chr22-25203794-G-A. GRCh37 (hg19) VCF-style: chr22-25599761-G-A.
Other names: short protein forms G76R.
Identifiers: ClinVar variation 3253557 (VCV003253557.1), dbSNP rs767272833.
Genomic context (GRCh38, chr22:25,203,794, plus strand): 5'-TGACCCAGCCAAGCCTCTTCCTCCCTCAGGTGGCTGGCATTTGAGTCCAGGGCCTTCCGC[G>A]GGGAGCAGTTTGTTCTGGAGAAGGGGGATTATCCTCGCTGGGATGCCTGGTCCAACAGCC-3'
Protein context (NP_004067.1, residues 66-86): WLAFESRAFR[Gly76Arg]EQFVLEKGDY

ClinVar aggregate classification (germline): Uncertain significance (1 of 4 stars; one submission).

Allele frequency attached by ClinVar (database versions not stated): gnomAD 0.00001; ExAC 0.00002.

Submission:

GeneDx
Classification: Uncertain significance. Last evaluated: 2023-07-20. Review status: criteria provided, single submitter. Criteria: GeneDx Variant Classification Process June 2021. Collection method: clinical testing. Allele origin: germline. Affected: yes.
Comment: In silico analysis supports that this missense variant has a deleterious effect on protein structure/function; This variant is associated with the following publications: (PMID: 27307692)